The following is an entry in ClinVar:

ClinVar aggregate classification (germline): Conflicting classifications of pathogenicity. Review status: criteria provided, conflicting classifications (1 of 4 stars). 15 submissions from 14 submitters: Uncertain significance (10); Benign (1); Likely benign (1). 3 of the submissions do not count toward it. Last evaluated 2026-04-01.

Conditions:
Rothmund-Thomson syndrome type 2 (RTS2). Identifiers: Orphanet 221016, MedGen C5203410, MONDO:0016369, OMIM 268400.
RECQL4-related disorder. Also called: RECQL4-related condition; RECQL4-related disorders.
Inborn genetic diseases. Identifiers: MedGen C0950123, MeSH D030342.
Hereditary cancer-predisposing syndrome. Also called: Tumor predisposition; Hereditary neoplastic syndrome; Hereditary Cancer Syndrome; Neoplastic Syndromes, Hereditary. Identifiers: Orphanet 140162, MedGen C0027672, MeSH D009386, MONDO:0015356.
Rothmund-Thomson syndrome (RTS). Also called: Poikiloderma Congenitale; Poikiloderma of Rothmund-Thomson. Identifiers: Orphanet 2909, MedGen C0032339, MONDO:0010002.
Baller-Gerold syndrome (BGS). Also called: CRANIOSYNOSTOSIS WITH RADIAL DEFECTS. Identifiers: Orphanet 1225, MedGen C0265308, MONDO:0009039, OMIM 218600.
Rapadilino syndrome. Identifiers: Orphanet 3021, MedGen C1849453, MONDO:0009955, OMIM 266280.

Allele frequency attached by ClinVar (database versions not stated): 1000 Genomes Project 0.00040; ESP Exome Variant Server 0.00056; ExAC 0.00057; gnomAD exomes 0.00058; TOPMed 0.00060; 1000 Genomes Project 30x 0.00062; gnomAD 0.00070 and 0.00071.

Submissions (15):

CeGaT Center for Human Genetics Tuebingen
Classification: Likely benign. Last evaluated: 2026-04-01. Review status: criteria provided, single submitter. Criteria: CeGaT Center For Human Genetics Tuebingen Variant Classification Criteria Version 2. Collection method: clinical testing. Allele origin: germline. Affected: yes. Observed: 2 variant alleles.
Comment: RECQL4: BS2

Labcorp Genetics (formerly Invitae), Labcorp
Classification: Benign for Baller-Gerold syndrome. Last evaluated: 2026-02-03. Review status: criteria provided, single submitter. Criteria: Invitae Variant Classification Sherloc (09022015). Collection method: clinical testing. Allele origin: germline.

GeneDx
Classification: Uncertain significance. Last evaluated: 2025-11-10. Review status: criteria provided, single submitter. Criteria: GeneDx Variant Classification Process June 2021. Collection method: clinical testing. Allele origin: germline.
Comment: In silico analysis supports that this missense variant has a deleterious effect on protein structure/function; Has not been previously published as pathogenic or benign in association with RECQL4-related disorders to our knowledge; This variant is associated with the following publications: (PMID: 32659497, 28767289, 30306255, 24728327)

Blueprint Genetics
Classification: Uncertain significance. Last evaluated: 2024-11-22. Review status: criteria provided, single submitter. Criteria: ACMG Guidelines, 2015. Collection method: clinical testing. Allele origin: germline.

St. Jude Molecular Pathology, St. Jude Children's Research Hospital
Classification: Uncertain significance for Rothmund-Thomson syndrome type 2. Last evaluated: 2024-04-24. Review status: criteria provided, single submitter. Criteria: St. Jude Assertion Criteria 2020. Collection method: clinical testing. Allele origin: germline.
Comment: The RECQL4 c.1868G>A (p.Arg623His) missense change has a maximum subpopulation frequency of 0.1% in gnomAD v2.1.1. In silico tools are inconclusive about a pathogenic or benign effect of this variant on protein function, and to our knowledge functional studies have not been performed. To our knowledge, this variant has not been reported in individuals with RECQL4-associated conditions. In summary, the evidence currently available is insufficient to determine the clinical significance of this variant. It has therefore been classified as of uncertain significance.

Baylor Genetics
Classification: Uncertain significance for Baller-Gerold syndrome. Last evaluated: 2023-05-11. Review status: criteria provided, single submitter. Criteria: ACMG Guidelines, 2015. Collection method: clinical testing. Allele origin: unknown.

Institute for Clinical Genetics, University Hospital TU Dresden, University Hospital TU Dresden
Classification: Uncertain significance. Last evaluated: 2021-11-03. Review status: criteria provided, single submitter. Criteria: ACMG Guidelines, 2015. Collection method: clinical testing. Allele origin: germline.

Ambry Genetics
Classification: Uncertain significance for Inborn genetic diseases. Last evaluated: 2021-10-01. Review status: criteria provided, single submitter. Criteria: Ambry Variant Classification Scheme 2023. Collection method: clinical testing. Allele origin: germline.

Sema4
Classification: Uncertain significance for Hereditary cancer-predisposing syndrome. Last evaluated: 2021-05-17. Review status: criteria provided, single submitter. Criteria: Sema4 Curation Guidelines. Collection method: curation. Allele origin: germline.
Comment: The RECQL4 c.1868G>A (p.R623H) variant has been reported in individuals with breast and pancreatic cancer (PMID: 30306255, 32659497, 28767289). However, it was also found in controls (PMID: 24728327). This variant was observed in 129/124888 chromosomes in the Non-Finnish European population, with no homozygotes, according to the Genome Aggregation Database (PMID: 32461654) and has been reported in ClinVar (Variant ID 135133). In silico tools suggest the impact of the variant on protein function is benign, though these predictions have not been confirmed by functional studies. The evidence is insufficient to meet ACMG/AMP criteria for classifying the variant as benign or pathogenic. Thus, the clinical significance of this variant is currently uncertain.

Baylor Genetics
Classification: Uncertain significance for Rothmund-Thomson syndrome type 2. Last evaluated: 2020-12-04. Review status: criteria provided, single submitter. Criteria: ACMG Guidelines, 2015. Collection method: clinical testing. Allele origin: unknown. Affected: yes. Study: CSER-TexasKidsCanSeq.
Comment: This variant was determined to be of uncertain significance according to ACMG Guidelines, 2015 [PMID:25741868].

Victorian Clinical Genetics Services, Murdoch Childrens Research Institute
Classification: Uncertain significance for Rothmund-Thomson syndrome type 2. Last evaluated: 2020-05-25. Review status: criteria provided, single submitter. Criteria: ACMG Guidelines, 2015. Collection method: clinical testing. Allele origin: germline. Inheritance: Autosomal recessive inheritance.
Comment: Based on the classification scheme VCGS_Germline_v1.1.1, this variant is classified as 3B-VUS. Following criteria are met: 0102 - Loss-of-function is a known mechanism of disease for this gene. (N) 0106 - This gene is known to be associated with autosomal recessive disease. (N) 0200 - Variant is predicted to result in a missense amino acid change from arginine to histidine (exon 11). (N) 0251 - Variant is heterozygous. (N) 0304 - Variant is present in gnomAD <0.01 for a recessive condition (165 heterozygotes, 0 homozygotes). (P) 0309 - An alternative amino acid change at the same position has been observed in gnomAD (p.(Arg623Cys); 7 heterozygotes, 0 homozygotes). (N) 0502 - Missense variant with conflicting in silico predictions and/or uninformative conservation. (N) 0600 - Variant is located in an annotated domain or motif. Located in the ATP-binding domain (PDB). (N) 0705 - No comparable variants have previous evidence for pathogenicity. (N) 0808 - Previous reports of pathogenicity are conflicting. Reported as a VUS and Likely Benign (ClinVar) and as a VUS in cancer patients (PMID: 28767289). (N) 0905 - No segregation evidence has been identified for this variant. (N) 1007 - No published functional evidence has been identified for this variant. (N) 1208 - Inheritance information for this variant is not currently available. (N) Legend: (P) - Pathogenic, (N) - Neutral, (B) - Benign

Fulgent Genetics
Classification: Uncertain significance for Baller-Gerold syndrome; Rapadilino syndrome; Rothmund-Thomson syndrome type 2. Last evaluated: 2018-10-31. Review status: criteria provided, single submitter. Criteria: ACMG Guidelines, 2015. Collection method: clinical testing. Allele origin: unknown.

PreventionGenetics, part of Exact Sciences
Classification: Uncertain significance for RECQL4-related condition. Last evaluated: 2024-03-21. Review status: no assertion criteria provided. Collection method: clinical testing. Allele origin: germline. Not counted in ClinVar's aggregate classification.
Comment: The RECQL4 c.1868G>A variant is predicted to result in the amino acid substitution p.Arg623His. This variant was reported with uncertain significance in study of individuals with breast and/or ovarian cancer (Supplemental Table 8, Bonache et al. 2018. PubMed ID: 30306255) and in a study of individuals with pancreatic ductal adenocarcinoma (Shindo et al. 2017. PubMed ID: 28767289; eAppendix 1, Table 2, Hu et al. 2020. PubMed ID: 32659497). This variant is reported in 0.10% of alleles in individuals of European (Non-Finnish) descent in gnomAD. Although we suspect that this variant may be benign, at this time, the clinical significance of this variant is uncertain due to the absence of conclusive functional and genetic evidence.

ITMI
No classification provided. Condition: AllHighlyPenetrant. Last evaluated: 2013-09-19. Review status: no classification provided. Collection method: reference population. Allele origin: germline. Not counted in ClinVar's aggregate classification.
Comment: Please see associated publication for description of ethnicities

Department of Pathology and Laboratory Medicine, Sinai Health System
Classification: Uncertain significance. Review status: no assertion criteria provided. Collection method: clinical testing. Allele origin: unknown. Affected: yes. Study: The Canadian Open Genetics Repository (COGR). Not counted in ClinVar's aggregate classification.
Comment: The RECQL4 p.Arg623His variant was not identified in the literature nor was it identified in Cosmic. The variant was identified in dbSNP (ID: rs201734382), ClinVar (classified as a VUS by Invitae and Fulgent Genetics) and LOVD 3.0 (classified as a VUS). The variant was identified in control databases in 165 of 276288 chromosomes at a frequency of 0.000597 increasing the likelihood this could be a low frequency benign variant (Genome Aggregation Database Feb 27, 2017). The variant was observed in the following populations: European (non-Finnish) in 129 of 124888 chromosomes (freq: 0.001033), Latino in 15 of 35252 chromosomes (freq: 0.000426), Other in 3 of 7054 chromosomes (freq: 0.000425), European (Finnish) in 8 of 24974 chromosomes (freq: 0.00032), Ashkenazi Jewish in 3 of 10188 chromosomes (freq: 0.000295), African in 3 of 23878 chromosomes (freq: 0.000126), South Asian in 3 of 30568 chromosomes (freq: 0.000098), and East Asian in 1 of 19486 chromosomes (freq: 0.000051). The p.Arg623 residue is conserved in mammals and computational analyses (PolyPhen-2, SIFT, AlignGVGD, BLOSUM) provide inconsistent predictions regarding the impact to the protein; this information is not very predictive of pathogenicity. The variant occurs outside of the splicing consensus sequence and in silico or computational prediction software programs (SpliceSiteFinder, MaxEntScan, NNSPLICE, GeneSplicer) do not predict a difference in splicing. In summary, based on the above information the clinical significance of this variant cannot be determined with certainty at this time. This variant is classified as a variant of uncertain significance.

Literature cited by the submitters: PubMed 30306255 (cited by Sema4); PubMed 32659497 (cited by Sema4); PubMed 28767289 (cited by Sema4 and Victorian Clinical Genetics Services, Murdoch Childrens Research Institute); PubMed 24728327 (cited by Sema4 and ITMI).

NM_004260.4(RECQL4):c.1868G>A (p.Arg623His)

Gene: RECQL4 (RecQ like helicase 4; minus strand). Cytogenetic location: 8q24.3.
Variant type: single nucleotide variant.
Coding change: c.1868G>A on transcript NM_004260.4 (MANE Select); coding-DNA position 1868, G replaced by A.
Protein change: p.Arg623His; replaces arginine 623 with histidine.
Molecular consequence: missense variant.
Genome position (GRCh38, 1-based): chr8:144,514,199, C>T on the plus strand (G>A on the coding strand, the complement: RECQL4 is on the minus strand). VCF-style: chr8-144514199-C-T. GRCh37 (hg19) VCF-style: chr8-145739583-C-T.
Other names: short protein forms R623H.
Identifiers: ClinVar variation 135133 (VCV000135133.35), dbSNP rs201734382, ClinGen allele CA161823.
Genomic context (GRCh38, chr8:144,514,199, plus strand): 5'-CCCAGCCCATCCCGGCCCTGGCCGCCCACCCCAGTTCACATATGGCTCACCTTGCAGACG[C>T]GCAGGTAGCAGGGCCGGAAGTTGTGGGACCACTGGGAGAGGCAGTGGGCCTCATCAATGC-3'
Protein context (NP_004251.4, residues 613-633): WSHNFRPCYL[Arg623His]VCKVLRERMG